The following is an entry in ClinVar:

ClinVar aggregate classification (germline): Uncertain significance (1 of 4 stars; one submission).

Submission:

Ambry Genetics
Classification: Uncertain significance. Last evaluated: 2025-11-25. Review status: criteria provided, single submitter. Criteria: Ambry Variant Classification Scheme 2023. Collection method: clinical testing. Allele origin: germline.
Comment: The p.K1958N variant (also known as c.5874G>C), located in coding exon 23 of the WNK2 gene, results from a G to C substitution at nucleotide position 5874. The lysine at codon 1958 is replaced by asparagine, an amino acid with similar properties. This amino acid position is conserved. In addition, this alteration is predicted to be tolerated by in silico analysis. Based on the available evidence, the clinical significance of this variant remains unclear.

NM_006648.4(WNK2):c.5874G>C (p.Lys1958Asn)

Gene: WNK2 (WNK lysine deficient protein kinase 2; plus strand). Cytogenetic location: 9q22.31.
Variant type: single nucleotide variant.
Coding change: c.5874G>C on transcript NM_006648.4 (MANE Select); coding-DNA position 5874, G replaced by C.
Protein change: p.Lys1958Asn; replaces lysine 1958 with asparagine.
Molecular consequence: missense variant.
Genome position (GRCh38, 1-based): chr9:93,298,018, G>C. VCF-style: chr9-93298018-G-C. GRCh37 (hg19) VCF-style: chr9-96060300-G-C.
Other names: c.5985G>C, p.Lys1995Asn (NM_001282394.3); short protein forms K1958N, K1995N.
Identifiers: ClinVar variation 4605387 (VCV004605387.1).